The following is an entry in ClinVar:

ClinVar aggregate classification (germline): Uncertain significance. Review status: criteria provided, multiple submitters, no conflicts (2 of 4 stars). 2 submissions from 2 submitters: Uncertain significance (2). Last evaluated 2025-08-30.

Conditions:
Primary dilated cardiomyopathy (DCM). Also called: Dilated Cardiomyopathy. Identifiers: Orphanet 217604, MedGen C0007193, MeSH D002311, MONDO:0005021, HP:0001644. Inheritance: Various modes of inheritance.

Allele frequency attached by ClinVar (database versions not stated): gnomAD exomes below 0.00001 and 0.00001; gnomAD 0.00001; TOPMed 0.00003.
gnomAD v4.1: 7 of 1,613,316 alleles (0.00043%); highest among the groups gnomAD compares: Non-Finnish European, 0.00059%; no homozygotes.

Submissions (2):

Labcorp Genetics (formerly Invitae), Labcorp
Classification: Uncertain significance for Primary dilated cardiomyopathy. Last evaluated: 2025-08-30. Review status: criteria provided, single submitter. Criteria: Invitae Variant Classification Sherloc (09022015). Collection method: clinical testing. Allele origin: germline.
Comment: This sequence change replaces alanine, which is neutral and non-polar, with serine, which is neutral and polar, at codon 114 of the NEBL protein (p.Ala114Ser). This variant is present in population databases (no rsID available, gnomAD 0.002%). This variant has not been reported in the literature in individuals affected with NEBL-related conditions. ClinVar contains an entry for this variant (Variation ID: 647747). An algorithm developed to predict the effect of missense changes on protein structure and function (PolyPhen-2) suggests that this variant is likely to be disruptive. In summary, the available evidence is currently insufficient to determine the role of this variant in disease. Therefore, it has been classified as a Variant of Uncertain Significance.

Ambry Genetics
Classification: Uncertain significance. Last evaluated: 2024-09-30. Review status: criteria provided, single submitter. Criteria: Ambry Variant Classification Scheme 2023. Collection method: clinical testing. Allele origin: germline.
Comment: The p.A114S variant (also known as c.340G>T), located in coding exon 4 of the NEBL gene, results from a G to T substitution at nucleotide position 340. The alanine at codon 114 is replaced by serine, an amino acid with similar properties. This amino acid position is conserved. In addition, the in silico prediction for this alteration is inconclusive. Based on the available evidence, the clinical significance of this variant remains unclear.

NM_006393.3(NEBL):c.340G>T (p.Ala114Ser)

Gene: NEBL (nebulette; minus strand). Cytogenetic location: 10p12.31.
Variant type: single nucleotide variant.
Coding change: c.340G>T on transcript NM_006393.3 (MANE Select); coding-DNA position 340, G replaced by T.
Protein change: p.Ala114Ser; replaces alanine 114 with serine.
Molecular consequence: missense variant. On other transcripts: intron variant (9).
Genome position (GRCh38, 1-based): chr10:20,888,126, C>A on the plus strand (G>T on the coding strand, the complement: NEBL is on the minus strand). VCF-style: chr10-20888126-C-A. GRCh37 (hg19) VCF-style: chr10-21177055-C-A.
Other names: c.249+73546G>T (NM_001377326.1, NM_001377327.1, NM_001377328.1); c.357+73546G>T (NM_213569.2, NM_001173484.2, NM_001377322.1); c.300+73546G>T (NM_001377324.1); c.291+73546G>T (NM_001377325.1); c.309+73546G>T (NM_001377323.1); short protein forms A114S.
Identifiers: ClinVar variation 647747 (VCV000647747.10), dbSNP rs996144249, ClinGen allele CA204171205.